The following is an entry in ClinVar:

ClinVar aggregate classification (germline): Benign/Likely benign. Review status: criteria provided, multiple submitters, no conflicts (2 of 4 stars). 3 submissions from 3 submitters: Benign (1); Likely benign (2). Last evaluated 2026-01-23.

Conditions:
Cardiovascular phenotype. Identifiers: MedGen CN230736.
Atrioventricular septal defect 4 (AVSD4). Identifiers: MedGen C3280781, MONDO:0013747, OMIM 614430.

Allele frequency attached by ClinVar (database versions not stated): gnomAD exomes 0.00009 and 0.00013; TOPMed 0.00009; ExAC 0.00013; 1000 Genomes Project 30x 0.00016; 1000 Genomes Project 0.00020.
gnomAD v4.1: 154 of 1,614,172 alleles (0.0095%); highest among the groups gnomAD compares: Middle Eastern, 0.066%; 1 homozygote.

Submissions (3):

Labcorp Genetics (formerly Invitae), Labcorp
Classification: Benign for Atrioventricular septal defect 4. Last evaluated: 2026-01-23. Review status: criteria provided, single submitter. Criteria: Invitae Variant Classification Sherloc (09022015). Collection method: clinical testing. Allele origin: germline.

CeGaT Center for Human Genetics Tuebingen
Classification: Likely benign. Last evaluated: 2024-09-01. Review status: criteria provided, single submitter. Criteria: CeGaT Center For Human Genetics Tuebingen Variant Classification Criteria Version 2. Collection method: clinical testing. Allele origin: germline. Affected: yes. Observed: 2 variant alleles.
Comment: GATA4: BP4, BP7

Ambry Genetics
Classification: Likely benign for Cardiovascular phenotype. Last evaluated: 2024-06-13. Review status: criteria provided, single submitter. Criteria: Ambry Variant Classification Scheme 2023. Collection method: clinical testing. Allele origin: germline.

NM_001308093.3(GATA4):c.1125C>T (p.Tyr375=)

Gene: GATA4 (GATA binding protein 4). Cytogenetic location: 8p23.1.
Variant type: single nucleotide variant.
Coding change: c.1125C>T on transcript NM_001308093.3 (MANE Select); coding-DNA position 1125, C replaced by T.
Protein change: p.Tyr375=; no amino-acid change (tyrosine 375 retained).
Molecular consequence: synonymous variant.
Genome position (GRCh38, 1-based): chr8:11,757,059, C>T. VCF-style: chr8-11757059-C-T. GRCh37 (hg19) VCF-style: chr8-11614568-C-T.
Other names: c.504C>T, p.Tyr168= (NM_001308094.2, NM_001374273.1); c.378C>T, p.Tyr126= (NM_001374274.1); c.1122C>T, p.Tyr374= (NM_002052.5).
Identifiers: ClinVar variation 412740 (VCV000412740.36), dbSNP rs56330552, ClinGen allele CA4630835.